The following is an entry in ClinVar:

NM_018406.7(MUC4):c.12093C>G (p.Thr4031=)

Genes: MUC4 (mucin 4, cell surface associated), LOC126806930 (BRD4-independent group 4 enhancer GRCh37_chr3:195505212-195506411). Cytogenetic location: 3q29.
Variant type: single nucleotide variant.
Coding change: c.12093C>G on transcript NM_018406.7 (MANE Select); coding-DNA position 12093, C replaced by G.
Protein change: p.Thr4031=; no amino-acid change (threonine 4031 retained).
Molecular consequence: synonymous variant. On other transcripts: intron variant (2).
Genome position (GRCh38, 1-based): chr3:195,779,487, G>C on the plus strand (C>G on the coding strand, the complement: MUC4 is on the minus strand). VCF-style: chr3-195779487-G-C. GRCh37 (hg19) VCF-style: chr3-195506358-G-C.
Other names: c.83-5182C>G (NM_138297.5); c.83-1032C>G (NM_004532.6).
Identifiers: ClinVar variation 4872921 (VCV004872921.2).
Genomic context (GRCh38, chr3:195,779,487, plus strand): 5'-GACAGGAAGAGGGGTGGTGTCACCTGTGGATGCTGAGGAAGTGCTGGTGACAGGAACAGG[G>C]GTGGCGTGACCTGTGGATGCTGAGGAAGGGCTGGTGACAGGAAGAGGGGTGGCGTGACCT-3'
Protein context (NP_060876.5, residues 4021-4041): SPSSASTGHA[Thr4031=]PVPVTSTSSA

ClinVar aggregate classification (germline): Likely benign (1 of 4 stars; one submission).

Submission:

CeGaT Center for Human Genetics Tuebingen
Classification: Likely benign. Last evaluated: 2026-04-01. Review status: criteria provided, single submitter. Criteria: CeGaT Center For Human Genetics Tuebingen Variant Classification Criteria Version 2. Collection method: clinical testing. Allele origin: germline. Affected: yes. Observed: 1 variant allele.
Comment: MUC4: BP4, BP7